The following is an entry in ClinVar:

NM_004727.3(SLC24A1):c.328A>G (p.Asn110Asp)

Gene: SLC24A1 (solute carrier family 24 member 1; plus strand). Cytogenetic location: 15q22.31.
Variant type: single nucleotide variant.
Coding change: c.328A>G on transcript NM_004727.3 (MANE Select); coding-DNA position 328, A replaced by G.
Protein change: p.Asn110Asp; replaces asparagine 110 with aspartic acid.
Molecular consequence: missense variant.
Genome position (GRCh38, 1-based): chr15:65,624,408, A>G. VCF-style: chr15-65624408-A-G. GRCh37 (hg19) VCF-style: chr15-65916746-A-G.
Other names: c.328A>G, p.Asn110Asp (NM_001301031.1, NM_001301032.1, NM_001301033.2 and 1 more transcripts); short protein forms N110D.
Identifiers: ClinVar variation 1716395 (VCV001716395.5), dbSNP rs2548354622, ClinGen allele CA392913311.

ClinVar aggregate classification (germline): Uncertain significance (1 of 4 stars; one submission).

Submission:

Labcorp Genetics (formerly Invitae), Labcorp
Classification: Uncertain significance. Last evaluated: 2023-07-17. Review status: criteria provided, single submitter. Criteria: Invitae Variant Classification Sherloc (09022015). Collection method: clinical testing. Allele origin: germline.
Comment: Algorithms developed to predict the effect of missense changes on protein structure and function output the following: SIFT: "Not Available"; PolyPhen-2: "Benign"; Align-GVGD: "Not Available". The aspartic acid amino acid residue is found in multiple mammalian species, which suggests that this missense change does not adversely affect protein function. In summary, the available evidence is currently insufficient to determine the role of this variant in disease. Therefore, it has been classified as a Variant of Uncertain Significance. ClinVar contains an entry for this variant (Variation ID: 1716395). This variant has not been reported in the literature in individuals affected with SLC24A1-related conditions. This variant is not present in population databases (gnomAD no frequency). This sequence change replaces asparagine, which is neutral and polar, with aspartic acid, which is acidic and polar, at codon 110 of the SLC24A1 protein (p.Asn110Asp).